The following is an entry in ClinVar:

NM_206933.4(USH2A):c.1551-27A>G

Gene: USH2A (usherin; minus strand). Cytogenetic location: 1q41.
Variant type: single nucleotide variant.
Coding change: c.1551-27A>G on transcript NM_206933.4 (MANE Select); 27 bases into the intron before coding-DNA position 1551, A replaced by G.
Molecular consequence: intron variant.
Genome position (GRCh38, 1-based): chr1:216,322,003, T>C on the plus strand (A>G on the coding strand, the complement: USH2A is on the minus strand). VCF-style: chr1-216322003-T-C. GRCh37 (hg19) VCF-style: chr1-216495345-T-C.
Other names: c.1551-27A>G (NM_007123.6).
Identifiers: ClinVar variation 2420349 (VCV002420349.4), dbSNP rs1300984501, ClinGen allele CA528970345.
Genomic context (GRCh38, chr1:216,322,003, plus strand): 5'-GTCGCAGTTATCGGCATGACCATGGCACTGACATCTGCAAACATGAGCATCACACACTCC[T>C]AAGGAACACCAACTCAACTGTGAATATATTTAAGGTCCTAGGACTATATGCATTATGTGA-3'

ClinVar aggregate classification (germline): Conflicting classifications of pathogenicity. Review status: criteria provided, conflicting classifications (1 of 4 stars). 2 submissions from 2 submitters: Likely pathogenic (1); Uncertain significance (1). Last evaluated 2024-02-27.

Conditions:
Retinitis pigmentosa 39 (RP39). Identifiers: Orphanet 791, MedGen C3151138, MONDO:0013436, OMIM 613809.
Usher syndrome type 2A. Also called: USHER SYNDROME, TYPE IIA; RETINAL DISEASE IN USHER SYNDROME TYPE IIA, MODIFIER OF. Identifiers: Orphanet 231178, Orphanet 886, MedGen C1848634, MONDO:0010169, OMIM 276901.

Allele frequency attached by ClinVar (database versions not stated): TOPMed below 0.00001; gnomAD 0.00001; gnomAD exomes 0.00001.
gnomAD v4.1: 15 of 1,606,160 alleles (0.00093%); highest among the groups gnomAD compares: East Asian, 0.034%; no homozygotes.

Submissions (2):

3billion
Classification: Likely pathogenic for Usher syndrome type 2A; Retinitis pigmentosa 39. Last evaluated: 2024-02-27. Review status: criteria provided, single submitter. Criteria: ACMG Guidelines, 2015. Collection method: clinical testing. Allele origin: germline. Affected: yes.
Comment: The variant is observed at an extremely low frequency in the gnomAD v2.1.1 dataset (total allele frequency: 0.002%). Predicted Consequence/Location: Intron variant In silico tools predict the variant to alter splicing and produce an abnormal transcript [SpliceAI: 0.27 (>=0.2, moderate evidence for spliceogenicity)]. The variant has been reported to be in trans with a pathogenic variant as either compound heterozygous or homozygous in at least one similarly affected unrelated individual (PMID: 32675063). The variant has been reported to co-segregate with the disease in at least one similarly affected relative/individual in the same family or similarly affected unrelated family (PMID: 32675063). The variant has been reported to be associated with USH2A related disorder (PMID: 32675063). Therefore, this variant is classified as Likely pathogenic according to the recommendation of ACMG/AMP guideline.

Labcorp Genetics (formerly Invitae), Labcorp
Classification: Uncertain significance. Last evaluated: 2022-04-13. Review status: criteria provided, single submitter. Criteria: Invitae Variant Classification Sherloc (09022015). Collection method: clinical testing. Allele origin: germline.
Comment: This sequence change falls in intron 8 of the USH2A gene. It does not directly change the encoded amino acid sequence of the USH2A protein. This variant is present in population databases (no rsID available, gnomAD 0.03%). This variant has been observed in individual(s) with retinitis pigmentosa (PMID: 32675063). Algorithms developed to predict the effect of sequence changes on RNA splicing suggest that this variant may disrupt the consensus splice site. In summary, the available evidence is currently insufficient to determine the role of this variant in disease. Therefore, it has been classified as a Variant of Uncertain Significance.

Literature cited by the submitters: PubMed 32675063 (cited by 3billion and Labcorp Genetics (formerly Invitae), Labcorp).